The following is an entry in ClinVar:

NM_001101362.3(KBTBD13):c.15dup (p.Gln6fs)

Gene: KBTBD13 (kelch repeat and BTB domain containing 13; plus strand). Cytogenetic location: 15q22.31.
Variant type: Duplication.
Coding change: c.15dup on transcript NM_001101362.3 (MANE Select); coding-DNA position 15, one base duplicated (A; older notation c.15dupA).
Protein change: p.Gln6fs; shifts the reading frame from glutamine 6.
Molecular consequence: frameshift variant.
Genome position (GRCh38, 1-based): chr15:65,076,830, A duplicated. VCF-style (leftmost placement, unchanged base first): chr15-65076829-C-CA. GRCh37 (hg19) VCF-style: chr15-65369167-C-CA.
Other names: c.15dupA (NM_001101362.2); short protein forms Q6fs.
Identifiers: ClinVar variation 503946 (VCV000503946.2), dbSNP rs1555407522, ClinGen allele CA658798400.

ClinVar aggregate classification (germline): Uncertain significance (1 of 4 stars; one submission).

Submission:

GeneDx
Classification: Uncertain significance. Last evaluated: 2018-01-08. Review status: criteria provided, single submitter. Criteria: GeneDx Variant Classification (06012015). Collection method: clinical testing. Allele origin: germline. Affected: yes.
Comment: The c.15dupA variant in the KBTBD13 gene has not been reported previously as a pathogenic variant nor as a benign variant, to our knowledge. The c.15dupA variant causes a frameshift starting with codon Glutamine 6, changes this amino acid to a Threonine residue, and creates a premature Stop codon at position 139 of the new reading frame, denoted p.Gln6ThrfsX139. This variant is predicted to cause loss of normal protein function through protein truncation, however, loss-of-function is not an established mechanism of disease for the KBTBD13 gene. The c.15dupA variant is not observed in large population cohorts (Lek et al., 2016). We interpret c.15dupA as a variant of uncertain significance.